The following is an entry in ClinVar:

ClinVar aggregate classification (germline): Pathogenic (1 of 4 stars; one submission).

Conditions:
Hereditary spastic paraplegia 4. Also called: Spastic Paraplegia 4; Familial spastic paraplegia autosomal dominant 2; Spastic paraplegia 4, autosomal dominant. Identifiers: Orphanet 100985, MedGen C1866855, MONDO:0008438, OMIM 182601.

Submission:

Labcorp Genetics (formerly Invitae), Labcorp
Classification: Pathogenic for Hereditary spastic paraplegia 4. Last evaluated: 2019-01-30. Review status: criteria provided, single submitter. Criteria: Invitae Variant Classification Sherloc (09022015). Collection method: clinical testing. Allele origin: germline.
Comment: This sequence change creates a premature translational stop signal (p.Ala174Valfs*8) in the SPAST gene. It is expected to result in an absent or disrupted protein product. For these reasons, this variant has been classified as Pathogenic. Loss-of-function variants in SPAST are known to be pathogenic (PMID: 20932283). This variant has not been reported in the literature in individuals with SPAST-related conditions. This variant is not present in population databases (ExAC no frequency).

Literature cited by the submitters: PubMed 20932283.

NM_014946.4(SPAST):c.521del (p.Ala174fs)

Gene: SPAST (spastin; plus strand). Cytogenetic location: 2p22.3.
Variant type: Deletion.
Coding change: c.521del on transcript NM_014946.4 (MANE Select); coding-DNA position 521, one base deleted (C; older notation c.521delC).
Protein change: p.Ala174fs; shifts the reading frame from alanine 174.
Molecular consequence: frameshift variant.
Genome position (GRCh38, 1-based): chr2:32,089,540, C deleted. VCF-style (leftmost placement, unchanged base first): chr2-32089539-GC-G. GRCh37 (hg19) VCF-style: chr2-32314608-GC-G.
Other names: c.518del, p.Ala173fs (NM_001363823.2, NM_001363875.2); c.521del, p.Ala174fs (NM_001377959.1, NM_199436.2); short protein forms A173fs, A174fs.
Identifiers: ClinVar variation 847697 (VCV000847697.7), dbSNP rs1677627829, ClinGen allele CA916082168.
Genomic context (GRCh38, chr2:32,089,539, plus strand): 5'-TAGTTGGGAAATGTAGATATTTTAATTAATTTTTTTCTTTCAGGTGAACAGTGTGAAAGA[GC>G]TAGACGCCTTCAAGCTAAAATGATGACTAATTTGGTTATGGCCAAGGACCGCTTACAACT-3'